The following is an entry in ClinVar:

ClinVar aggregate classification (germline): Uncertain significance (1 of 4 stars; one submission).

Allele frequency attached by ClinVar (database versions not stated): gnomAD exomes below 0.00001; ExAC 0.00001.
gnomAD v4.1: 3 of 1,606,414 alleles (0.00019%); highest among the groups gnomAD compares: Non-Finnish European, 0.00025%; no homozygotes.

Submission:

Labcorp Genetics (formerly Invitae), Labcorp
Classification: Uncertain significance. Last evaluated: 2023-09-20. Review status: criteria provided, single submitter. Criteria: Invitae Variant Classification Sherloc (09022015). Collection method: clinical testing. Allele origin: germline.
Comment: In summary, the available evidence is currently insufficient to determine the role of this variant in disease. Therefore, it has been classified as a Variant of Uncertain Significance. An algorithm developed to predict the effect of missense changes on protein structure and function (PolyPhen-2) suggests that this variant is likely to be tolerated. This variant has not been reported in the literature in individuals affected with LMX1B-related conditions. This variant is present in population databases (rs781727698, gnomAD 0.001%). This sequence change replaces isoleucine, which is neutral and non-polar, with valine, which is neutral and non-polar, at codon 28 of the LMX1B protein (p.Ile28Val).

NM_001174147.2(LMX1B):c.82A>G (p.Ile28Val)

Gene: LMX1B (LIM homeobox transcription factor 1 beta; plus strand). Cytogenetic location: 9q33.3.
Variant type: single nucleotide variant.
Coding change: c.82A>G on transcript NM_001174147.2 (MANE Select); coding-DNA position 82, A replaced by G.
Protein change: p.Ile28Val; replaces isoleucine 28 with valine.
Molecular consequence: missense variant.
Genome position (GRCh38, 1-based): chr9:126,614,531, A>G. VCF-style: chr9-126614531-A-G. GRCh37 (hg19) VCF-style: chr9-129376810-A-G.
Other names: c.82A>G, p.Ile28Val (NM_001174146.2, NM_002316.4); short protein forms I28V.
Identifiers: ClinVar variation 2975471 (VCV002975471.3), dbSNP rs781727698, ClinGen allele CA5242209.